The following is an entry in ClinVar:

NM_001114753.3(ENG):c.863_867dup (p.Phe290fs)

Gene: ENG (endoglin; minus strand). Cytogenetic location: 9q34.11.
Variant type: Duplication.
Coding change: c.863_867dup on transcript NM_001114753.3 (MANE Select); coding-DNA positions 863 to 867, 5 bases duplicated (GTGGC; older notation c.863_867dupGTGGC).
Protein change: p.Phe290fs; shifts the reading frame from phenylalanine 290.
Molecular consequence: frameshift variant.
Genome position (GRCh38, 1-based): chr9:127,824,924-127,824,928, GCCAC duplicated on the plus strand (GTGGC on the coding strand, the reverse complement: ENG is on the minus strand); duplicating any 5 consecutive bases within chr9:127,824,924-127,824,929 gives the same sequence; the c. name uses the placement nearest the transcript's 3' end. VCF-style (leftmost placement, unchanged base first): chr9-127824923-A-AGCCAC. GRCh37 (hg19) VCF-style: chr9-130587202-A-AGCCAC.
Other names: c.862_866dup, p.Phe290Valfs (NM_000118.4, NM_001406715.1); c.317_321dup, p.Phe108fs (NM_001278138.2); short protein forms F108fs, F290fs.
Identifiers: ClinVar variation 1076004 (VCV001076004.9), dbSNP rs2131887087, ClinGen allele CA2499219640.
Genomic context (GRCh38, chr9:127,824,923, plus strand): 5'-TGCTGGCATTGAGCATCCGGGCCTCCCCCAGGAGGCCTTGAGGTGTGTCTGGGAGCTTGA[A>AGCCAC]GCCACGAATGTTTTTCTCTGGAAAGATCTTGAAGGAGTATTCTCCAGTGGTCTAATGGTG-3'

ClinVar aggregate classification (germline): Pathogenic (1 of 4 stars; one submission).

Conditions:
Hereditary hemorrhagic telangiectasia (HHT). Also called: Osler hemorrhagic telangiectasia syndrome; ORW DISEASE; Osler Weber Rendu syndrome; OSLER-RENDU-WEBER DISEASE. Identifiers: Orphanet 774, MedGen C0039445, MONDO:0019180. Disease mechanism: loss of function.

Submission:

Labcorp Genetics (formerly Invitae), Labcorp
Classification: Pathogenic for Hereditary hemorrhagic telangiectasia. Last evaluated: 2020-11-06. Review status: criteria provided, single submitter. Criteria: Invitae Variant Classification Sherloc (09022015). Collection method: clinical testing. Allele origin: germline.
Comment: For these reasons, this variant has been classified as Pathogenic. Loss-of-function variants in ENG are known to be pathogenic (PMID: 15879500). This variant has not been reported in the literature in individuals with ENG-related conditions. This variant is not present in population databases (ExAC no frequency). This sequence change creates a premature translational stop signal (p.Phe290Valfs*71) in the ENG gene. It is expected to result in an absent or disrupted protein product.

Literature cited by the submitters: PubMed 15879500.